The following is an entry in ClinVar:

NM_021927.3(GUF1):c.960_969del (p.Gly319_Tyr320insTer)

Gene: GUF1 (GTP binding elongation factor GUF1; plus strand). Cytogenetic location: 4p12.
Variant type: Deletion.
Coding change: c.960_969del on transcript NM_021927.3 (MANE Select); coding-DNA positions 960 to 969, 10 bases deleted (TCTGATTGCT; older notation c.960_969delTCTGATTGCT).
Protein change: p.Gly319_Tyr320insTer.
Molecular consequence: nonsense. On other transcripts: 5 prime UTR variant (2).
Genome position (GRCh38, 1-based): chr4:44,688,028-44,688,037, TCTGATTGCT deleted. VCF-style (leftmost placement, unchanged base first): chr4-44688027-ATCTGATTGCT-A. GRCh37 (hg19) VCF-style: chr4-44690044-ATCTGATTGCT-A.
Other names: c.-13_-4del (NM_001345867.2, NM_001345869.2); c.960_969del, p.Gly319_Tyr320insTer (NM_001345868.2).
Identifiers: ClinVar variation 1392221 (VCV001392221.6), dbSNP rs2109648009, ClinGen allele CA2573137731.

ClinVar aggregate classification (germline): Uncertain significance (1 of 4 stars; one submission).

Allele frequency attached by ClinVar (database versions not stated): gnomAD exomes below 0.00001.

Submission:

Labcorp Genetics (formerly Invitae), Labcorp
Classification: Uncertain significance. Last evaluated: 2025-09-02. Review status: criteria provided, single submitter. Criteria: Invitae Variant Classification Sherloc (09022015). Collection method: clinical testing. Allele origin: germline.
Comment: This sequence change creates a premature translational stop signal (p.Tyr320*) in the GUF1 gene. It is expected to result in an absent or disrupted protein product. However, the current clinical and genetic evidence is not sufficient to establish whether loss-of-function variants in GUF1 cause disease. This variant is not present in population databases (gnomAD no frequency). This variant has not been reported in the literature in individuals affected with GUF1-related conditions. ClinVar contains an entry for this variant (Variation ID: 1392221). Experimental studies and prediction algorithms are not available or were not evaluated, and the functional significance of this variant is currently unknown. Algorithms developed to predict the effect of sequence changes on RNA splicing suggest that this variant may disrupt the consensus splice site. In summary, the available evidence is currently insufficient to determine the role of this variant in disease. Therefore, it has been classified as a Variant of Uncertain Significance.